The following is an entry in ClinVar:

ClinVar aggregate classification (germline): Uncertain significance (1 of 4 stars; one submission).

Allele frequency attached by ClinVar (database versions not stated): TOPMed below 0.00001.
gnomAD v4.1: 3 of 1,606,348 alleles (0.00019%); highest among the groups gnomAD compares: Non-Finnish European, 0.00026%; no homozygotes.

Submission:

Labcorp Genetics (formerly Invitae), Labcorp
Classification: Uncertain significance. Last evaluated: 2022-05-14. Review status: criteria provided, single submitter. Criteria: Invitae Variant Classification Sherloc (09022015). Collection method: clinical testing. Allele origin: germline.
Comment: This variant has not been reported in the literature in individuals affected with SLC24A5-related conditions. In summary, the available evidence is currently insufficient to determine the role of this variant in disease. Therefore, it has been classified as a Variant of Uncertain Significance. Algorithms developed to predict the effect of missense changes on protein structure and function (SIFT, PolyPhen-2, Align-GVGD) all suggest that this variant is likely to be tolerated. This variant is not present in population databases (gnomAD no frequency). This sequence change replaces lysine, which is basic and polar, with asparagine, which is neutral and polar, at codon 494 of the SLC24A5 protein (p.Lys494Asn).

NM_205850.3(SLC24A5):c.1482A>T (p.Lys494Asn)

Genes: MYEF2 (myelin expression factor 2; minus strand), SLC24A5 (solute carrier family 24 member 5; plus strand). Cytogenetic location: 15q21.1.
Variant type: single nucleotide variant.
Coding change: c.1482A>T on transcript NM_205850.3 (MANE Select); coding-DNA position 1482, A replaced by T.
Protein change: p.Lys494Asn; replaces lysine 494 with asparagine.
Molecular consequence: missense variant. On other transcripts: 3 prime UTR variant (2).
Genome position (GRCh38, 1-based): chr15:48,142,330, A>T. VCF-style: chr15-48142330-A-T. GRCh37 (hg19) VCF-style: chr15-48434527-A-T.
Other names: c.*578T>A (NM_001301210.2, NM_016132.5); short protein forms K494N.
Identifiers: ClinVar variation 1911469 (VCV001911469.5), dbSNP rs1344339954, ClinGen allele CA392454687.